The following is an entry in ClinVar:

NM_005419.4(STAT2):c.757C>G (p.His253Asp)

Gene: STAT2 (signal transducer and activator of transcription 2; minus strand). Cytogenetic location: 12q13.3.
Variant type: single nucleotide variant.
Coding change: c.757C>G on transcript NM_005419.4 (MANE Select); coding-DNA position 757, C replaced by G.
Protein change: p.His253Asp; replaces histidine 253 with aspartic acid.
Molecular consequence: missense variant.
Genome position (GRCh38, 1-based): chr12:56,354,491, G>C on the plus strand (C>G on the coding strand, the complement: STAT2 is on the minus strand). VCF-style: chr12-56354491-G-C. GRCh37 (hg19) VCF-style: chr12-56748275-G-C.
Other names: c.745C>G, p.His249Asp (NM_001385110.1, NM_001385115.1, NM_198332.2); c.757C>G, p.His253Asp (NM_001385111.1, NM_001385113.1, NM_001385114.1); short protein forms H253D, H249D.
Identifiers: ClinVar variation 1498764 (VCV001498764.3), dbSNP rs767067626, ClinGen allele CA6630772.
Genomic context (GRCh38, chr12:56,354,491, plus strand): 5'-ATGGCGAGGACGAGGGTTGGGGTGGTACCTCTCACCATGTCTCCAGCTGTTCCAACCCGT[G>C]GTCAATGGGAGCTCTGATGCAGGCTTTTTGCTGCTGGGCCTTCCACTCCTCCAACTTTGG-3'
Protein context (NP_005410.1, residues 243-263): QKACIRAPID[His253Asp]GLEQLETWFT

ClinVar aggregate classification (germline): Uncertain significance (1 of 4 stars; one submission).

Conditions:
Primary immunodeficiency with post-measles-mumps-rubella vaccine viral infection. Also called: Immunodeficiency 44. Identifiers: Orphanet 431166, MedGen C4225260, MONDO:0014715, OMIM 616636.

Allele frequency attached by ClinVar (database versions not stated): gnomAD exomes below 0.00001; ExAC 0.00001; gnomAD 0.00001.
gnomAD v4.1: 7 of 1,614,062 alleles (0.00043%); highest among the groups gnomAD compares: Middle Eastern, 0.016%; no homozygotes.

Submission:

Labcorp Genetics (formerly Invitae), Labcorp
Classification: Uncertain significance for Primary immunodeficiency with post-measles-mumps-rubella vaccine viral infection. Last evaluated: 2022-09-19. Review status: criteria provided, single submitter. Criteria: Invitae Variant Classification Sherloc (09022015). Collection method: clinical testing. Allele origin: germline.
Comment: This sequence change replaces histidine, which is basic and polar, with aspartic acid, which is acidic and polar, at codon 253 of the STAT2 protein (p.His253Asp). This variant is not present in population databases (gnomAD no frequency). This variant has not been reported in the literature in individuals affected with STAT2-related conditions. ClinVar contains an entry for this variant (Variation ID: 1498764). Advanced modeling of protein sequence and biophysical properties (such as structural, functional, and spatial information, amino acid conservation, physicochemical variation, residue mobility, and thermodynamic stability) performed at Invitae indicates that this missense variant is not expected to disrupt STAT2 protein function. In summary, the available evidence is currently insufficient to determine the role of this variant in disease. Therefore, it has been classified as a Variant of Uncertain Significance.